The following is an entry in ClinVar:

ClinVar aggregate classification (germline): Uncertain significance (1 of 4 stars; one submission).

Submission:

Labcorp Genetics (formerly Invitae), Labcorp
Classification: Uncertain significance. Last evaluated: 2022-08-03. Review status: criteria provided, single submitter. Criteria: Invitae Variant Classification Sherloc (09022015). Collection method: clinical testing. Allele origin: germline.
Comment: This variant is not present in population databases (gnomAD no frequency). In summary, the available evidence is currently insufficient to determine the role of this variant in disease. Therefore, it has been classified as a Variant of Uncertain Significance. Algorithms developed to predict the effect of missense changes on protein structure and function (SIFT, PolyPhen-2, Align-GVGD) all suggest that this variant is likely to be disruptive. This variant has not been reported in the literature in individuals affected with RASGRP2-related conditions. This sequence change replaces arginine, which is basic and polar, with leucine, which is neutral and non-polar, at codon 195 of the RASGRP2 protein (p.Arg195Leu).

NM_001098671.2(RASGRP2):c.584G>T (p.Arg195Leu)

Gene: RASGRP2 (RAS guanyl releasing protein 2; minus strand). Cytogenetic location: 11q13.1.
Variant type: single nucleotide variant.
Coding change: c.584G>T on transcript NM_001098671.2 (MANE Select); coding-DNA position 584, G replaced by T.
Protein change: p.Arg195Leu; replaces arginine 195 with leucine.
Molecular consequence: missense variant.
Genome position (GRCh38, 1-based): chr11:64,739,748, C>A on the plus strand (G>T on the coding strand, the complement: RASGRP2 is on the minus strand). VCF-style: chr11-64739748-C-A. GRCh37 (hg19) VCF-style: chr11-64507220-C-A.
Other names: c.584G>T, p.Arg195Leu (NM_001098670.2, NM_153819.2); c.149G>T, p.Arg50Leu (NM_001318398.2); short protein forms R195L, R50L.
Identifiers: ClinVar variation 1958095 (VCV001958095.5), dbSNP rs2496550187, ClinGen allele CA381147965.